The following is an entry in ClinVar:

ClinVar aggregate classification (germline): Uncertain significance (1 of 4 stars; one submission).

Submission:

GeneDx
Classification: Uncertain significance. Last evaluated: 2024-12-01. Review status: criteria provided, single submitter. Criteria: GeneDx Variant Classification Process June 2021. Collection method: clinical testing. Allele origin: germline.
Comment: Not observed at significant frequency in large population cohorts (gnomAD); In silico analysis indicates that this missense variant does not alter protein structure/function; Has not been previously published as pathogenic or benign to our knowledge

NM_138927.4(SON):c.1972G>A (p.Val658Met)

Gene: SON (SON DNA and RNA binding protein; plus strand). Cytogenetic location: 21q22.11.
Variant type: single nucleotide variant.
Coding change: c.1972G>A on transcript NM_138927.4 (MANE Select); coding-DNA position 1972, G replaced by A.
Protein change: p.Val658Met; replaces valine 658 with methionine.
Molecular consequence: missense variant. On other transcripts: non-coding transcript variant (1), intron variant (1).
Genome position (GRCh38, 1-based): chr21:33,551,203, G>A. VCF-style: chr21-33551203-G-A. GRCh37 (hg19) VCF-style: chr21-34923509-G-A.
Other names: c.1972G>A, p.Val658Met (NM_001291411.2, NM_001412133.1, NM_032195.3 and 2 more transcripts); c.244+4824G>A (NM_001291412.3); c.1972G>A (NM_138927.2); short protein forms V658M.
Identifiers: ClinVar variation 2499321 (VCV002499321.2), dbSNP rs2517358972, ClinGen allele CA410156601.